The following is an entry in ClinVar:

NM_000059.4(BRCA2):c.496C>T (p.His166Tyr)

Gene: BRCA2 (BRCA2 DNA repair associated; plus strand). Cytogenetic location: 13q13.1.
Variant type: single nucleotide variant.
Coding change: c.496C>T on transcript NM_000059.4 (MANE Select); coding-DNA position 496, C replaced by T.
Protein change: p.His166Tyr; replaces histidine 166 with tyrosine.
Molecular consequence: missense variant.
Genome position (GRCh38, 1-based): chr13:32,326,262, C>T. VCF-style: chr13-32326262-C-T. GRCh37 (hg19) VCF-style: chr13-32900399-C-T.
Other names: c.496C>T (NM_000059.3); short protein forms H166Y.
Identifiers: ClinVar variation 126126 (VCV000126126.3), dbSNP rs80358723, ClinGen allele CA021082.
Genomic context (GRCh38, chr13:32,326,262, plus strand): 5'-AAAATAAAACTTAACAATTTTCCCCTTTTTTTACCCCCAGTGGTATGTGGGAGTTTGTTT[C>T]ATACACCAAAGTTTGTGAAGGTAAATATTCTACCTGGTTTATTTTTATGACTTAGTAATT-3'
Protein context (NP_000050.3, residues 156-176): DKSVVCGSLF[His166Tyr]TPKFVKGRQT

ClinVar aggregate classification (germline): Uncertain significance. Review status: criteria provided, single submitter (1 of 4 stars). 2 submissions from 2 submitters: Uncertain significance (1). 1 of the submissions does not count toward it. Last evaluated 2023-12-19.

Conditions:
Hereditary cancer-predisposing syndrome. Also called: Tumor predisposition; Hereditary Cancer Syndrome; Neoplastic Syndromes, Hereditary; Hereditary neoplastic syndrome. Identifiers: Orphanet 140162, MedGen C0027672, MeSH D009386, MONDO:0015356.
Breast-ovarian cancer, familial, susceptibility to, 2 (BROVCA2). Also called: BRCA2 Hereditary Breast and Ovarian Cancer. Identifiers: Orphanet 145, MedGen C2675520, MONDO:0012933, OMIM 612555. Disease mechanism: loss of function.

Submissions (2):

Ambry Genetics
Classification: Uncertain significance for Hereditary cancer-predisposing syndrome. Last evaluated: 2023-12-19. Review status: criteria provided, single submitter. Criteria: Ambry Variant Classification Scheme 2023. Collection method: clinical testing. Allele origin: germline.
Comment: The p.H166Y variant (also known as c.496C>T), located in coding exon 5 of the BRCA2 gene, results from a C to T substitution at nucleotide position 496. The histidine at codon 166 is replaced by tyrosine, an amino acid with similar properties. This amino acid position is not well conserved in available vertebrate species. In addition, this alteration is predicted to be tolerated by in silico analysis. Since supporting evidence is limited at this time, the clinical significance of this alteration remains unclear.

Breast Cancer Information Core (BIC) (BRCA2)
Classification: Uncertain significance for Breast-ovarian cancer, familial 2. Last evaluated: 2003-12-23. Review status: no assertion criteria provided. Collection method: clinical testing. Allele origin: germline. Affected: yes. Observed: 1 variant allele. Not counted in ClinVar's aggregate classification.